The following is an entry in ClinVar:

NM_058216.3(RAD51C):c.206_207del (p.Leu69fs)

Gene: RAD51C (RAD51 paralog C; plus strand). Cytogenetic location: 17q22.
Variant type: Microsatellite.
Coding change: c.206_207del on transcript NM_058216.3 (MANE Select); coding-DNA positions 206 to 207, 2 bases deleted (TC; older notation c.206_207delTC).
Protein change: p.Leu69fs; shifts the reading frame from leucine 69.
Molecular consequence: frameshift variant. On other transcripts: non-coding transcript variant (2).
Genome position (GRCh38, 1-based): chr17:58,694,991-58,694,992, TC deleted; deleting any 2 consecutive bases within chr17:58,694,989-58,694,992 gives the same sequence; the c. name uses the placement nearest the transcript's 3' end. VCF-style (leftmost placement, unchanged base first): chr17-58694988-GTC-G. GRCh37 (hg19) VCF-style: chr17-56772349-GTC-G.
Other names: c.206_207del, p.Leu69fs (NM_002876.4); short protein forms L69fs.
Identifiers: ClinVar variation 4880717 (VCV004880717.2).

ClinVar aggregate classification (germline): Likely pathogenic (1 of 4 stars; one submission).

Conditions:
RAD51C-related cancer predisposition. Identifiers: MedGen CN377762, MONDO:0700273.

Submission:

Dasa
Classification: Likely pathogenic for RAD51C-related cancer predisposition. Last evaluated: 2026-02-10. Review status: criteria provided, single submitter. Criteria: DASA Assertion Criteria. Collection method: clinical testing. Allele origin: germline.
Comment: NM_058216.3(RAD51C):c.206_207del (p.Leu69Hisfs*3) is a frameshift variant in RAD51C predicted to alter the reading frame and introduce a premature termination codon and is predicted to result in an absent or altered protein product. Loss of function is an established disease mechanism for RAD51C (PMID: 21990120; PMID: 24800917; PMID: 20400964). Also, this variant is absent from population databases. Based on the currently available evidence, this variant is classified as likely pathogenic.

Literature cited by the submitters: PubMed 21990120; PubMed 24800917; PubMed 20400964.